The following is an entry in ClinVar:

ClinVar aggregate classification (germline): Likely benign (1 of 4 stars; one submission).

Conditions:
MYO5B-related disorder. Also called: MYO5B-related condition.

gnomAD v4.1: 1 of 1,614,194 alleles (0.000062%); highest among the groups gnomAD compares: Non-Finnish European, 0.000085%; no homozygotes.

Submission:

PreventionGenetics, part of Exact Sciences
Classification: Likely benign for MYO5B-related condition. Last evaluated: 2025-10-22. Review status: criteria provided, single submitter. Criteria: ACMG Guidelines, 2015. Collection method: clinical testing. Allele origin: germline.
Comment: This variant is classified as likely benign based on ACMG/AMP sequence variant interpretation guidelines (Richards et al. 2015 PMID: 25741868, with internal and published modifications).

NM_001080467.3(MYO5B):c.4470C>T (p.Pro1490=)

Genes: MYO5B (myosin VB; minus strand), SNHG22 (small nucleolar RNA host gene 22; plus strand). Cytogenetic location: 18q21.1.
Variant type: single nucleotide variant.
Coding change: c.4470C>T on transcript NM_001080467.3 (MANE Select); coding-DNA position 4470, C replaced by T.
Protein change: p.Pro1490=; no amino-acid change (proline 1490 retained).
Molecular consequence: synonymous variant.
Genome position (GRCh38, 1-based): chr18:49,843,382, G>A on the plus strand (C>T on the coding strand, the complement: MYO5B is on the minus strand). VCF-style: chr18-49843382-G-A. GRCh37 (hg19) VCF-style: chr18-47369752-G-A.
Identifiers: ClinVar variation 4993723 (VCV004993723.1).